The following is an entry in ClinVar:

NM_015175.3(NBEAL2):c.7208G>T (p.Gly2403Val)

Gene: NBEAL2 (neurobeachin like 2; plus strand). Cytogenetic location: 3p21.31.
Variant type: single nucleotide variant.
Coding change: c.7208G>T on transcript NM_015175.3 (MANE Select); coding-DNA position 7208, G replaced by T.
Protein change: p.Gly2403Val; replaces glycine 2403 with valine.
Molecular consequence: missense variant.
Genome position (GRCh38, 1-based): chr3:47,007,139, G>T. VCF-style: chr3-47007139-G-T. GRCh37 (hg19) VCF-style: chr3-47048629-G-T.
Other names: NC_000003.11:g.47048629G>T; c.7106G>T, p.Gly2369Val (NM_001365116.2); short protein forms G2369V, G2403V.
Identifiers: ClinVar variation 2506350 (VCV002506350.5), dbSNP rs200904954, ClinGen allele CA2362074.

ClinVar aggregate classification (germline): Likely benign. Review status: criteria provided, multiple submitters, no conflicts (2 of 4 stars). 4 submissions from 4 submitters: Likely benign (4). Last evaluated 2026-08-28.

Conditions:
NBEAL2-related disorder. Also called: NBEAL2-related condition.

Allele frequency attached by ClinVar (database versions not stated): gnomAD exomes 0.00016; ExAC 0.00056; 1000 Genomes Project 0.00120; 1000 Genomes Project 30x 0.00141; gnomAD 0.00182; ESP Exome Variant Server 0.00203.
gnomAD v4.1: 528 of 1,613,694 alleles (0.033%); highest among the groups gnomAD compares: African/African-American, 0.62%; 3 homozygotes.

Submissions (5):

PreventionGenetics, part of Exact Sciences
Classification: Likely benign for NBEAL2-related condition. Last evaluated: 2026-08-28. Review status: criteria provided, single submitter. Criteria: ACMG Guidelines, 2015. Collection method: clinical testing. Allele origin: germline.
Comment: This variant is classified as likely benign based on ACMG/AMP sequence variant interpretation guidelines (Richards et al. 2015 PMID: 25741868, with internal and published modifications).

Labcorp Genetics (formerly Invitae), Labcorp
Classification: Likely benign. Last evaluated: 2025-11-05. Review status: criteria provided, single submitter. Criteria: Invitae Variant Classification Sherloc (09022015). Collection method: clinical testing. Allele origin: germline.

Blueprint Genetics
Classification: Likely benign. Last evaluated: 2024-11-01. Review status: criteria provided, single submitter. Criteria: ACMG Guidelines, 2015. Collection method: clinical testing. Allele origin: germline.

Women's Health and Genetics/Laboratory Corporation of America, LabCorp
Classification: Likely benign. Last evaluated: 2023-05-24. Review status: criteria provided, single submitter. Criteria: LabCorp Variant Classification Summary - May 2015. Collection method: clinical testing. Allele origin: germline.
Comment: Variant summary: NBEAL2 c.7208G>T (p.Gly2403Val) results in a non-conservative amino acid change in the encoded protein sequence. Three of five in-silico tools predict a damaging effect of the variant on protein function. The variant allele was found at a frequency of 0.0018 in 150908 control chromosomes, predominantly at a frequency of 0.0063 within the African or African-American subpopulation in the gnomAD database, including 2 homozygotes. To our knowledge, no occurrence of c.7208G>T in individuals affected with Gray Platelet Syndrome and no experimental evidence demonstrating its impact on protein function have been reported. No clinical diagnostic laboratories have submitted clinical-significance assessments for this variant to ClinVar after 2014. Based on the evidence outlined above, the variant was classified as likely benign.

Dr. Peter K. Rogan Lab, Western University
No classification provided (evidence only). Condition: Acute myeloid leukemia. Review status: no classification provided. Collection method: in vitro. Allele origin: not applicable. Functional consequence: skipped exon. Not counted in ClinVar's aggregate classification.